The following is an entry in ClinVar:

ClinVar aggregate classification (germline): Uncertain significance (1 of 4 stars; one submission).

Conditions:
Microcephaly-intellectual disability-sensorineural hearing loss-epilepsy-abnormal muscle tone syndrome (NEDHSB). Also called: NEURODEVELOPMENTAL DISORDER WITH HEARING LOSS, SEIZURES, AND BRAIN ABNORMALITIES. Identifiers: Orphanet 457351, MedGen C4225276, MONDO:0014698, OMIM 616577.

Allele frequency attached by ClinVar (database versions not stated): gnomAD exomes below 0.00001; gnomAD 0.00001 and 0.00002; TOPMed 0.00004.
gnomAD v4.1: 6 of 1,614,006 alleles (0.00037%); highest among the groups gnomAD compares: Admixed American, 0.005%; no homozygotes.

Submission:

Labcorp Genetics (formerly Invitae), Labcorp
Classification: Uncertain significance for Microcephaly-intellectual disability-sensorineural hearing loss-epilepsy-abnormal muscle tone syndrome. Last evaluated: 2022-10-13. Review status: criteria provided, single submitter. Criteria: Invitae Variant Classification Sherloc (09022015). Collection method: clinical testing. Allele origin: germline.
Comment: This sequence change replaces isoleucine, which is neutral and non-polar, with valine, which is neutral and non-polar, at codon 805 of the SPATA5 protein (p.Ile805Val). This variant is present in population databases (no rsID available, gnomAD no frequency). This variant has not been reported in the literature in individuals affected with SPATA5-related conditions. ClinVar contains an entry for this variant (Variation ID: 941219). Advanced modeling of protein sequence and biophysical properties (such as structural, functional, and spatial information, amino acid conservation, physicochemical variation, residue mobility, and thermodynamic stability) has been performed at Invitae for this missense variant, however the output from this modeling did not meet the statistical confidence thresholds required to predict the impact of this variant on SPATA5 protein function. In summary, the available evidence is currently insufficient to determine the role of this variant in disease. Therefore, it has been classified as a Variant of Uncertain Significance.

NM_145207.3(AFG2A):c.2413A>G (p.Ile805Val)

Gene: AFG2A (AFG2 AAA ATPase homolog A; plus strand). Cytogenetic location: 4q28.1.
Variant type: single nucleotide variant.
Coding change: c.2413A>G on transcript NM_145207.3 (MANE Select); coding-DNA position 2413, A replaced by G.
Protein change: p.Ile805Val; replaces isoleucine 805 with valine.
Molecular consequence: missense variant.
Genome position (GRCh38, 1-based): chr4:123,256,088, A>G. VCF-style: chr4-123256088-A-G. GRCh37 (hg19) VCF-style: chr4-124177243-A-G.
Other names: c.2410A>G, p.Ile804Val (NM_001345856.2); short protein forms I804V, I805V.
Identifiers: ClinVar variation 941219 (VCV000941219.4), dbSNP rs1003808420, ClinGen allele CA105289937.